The following is an entry in ClinVar:

ClinVar aggregate classification (germline): Conflicting classifications of pathogenicity. Review status: criteria provided, conflicting classifications (1 of 4 stars). 2 submissions from 2 submitters: Uncertain significance (1); Likely benign (1). Last evaluated 2023-04-05.

Conditions:
Catecholaminergic polymorphic ventricular tachycardia (CVPT). Also called: Catecholamine-induced polymorphic ventricular tachycardia. Identifiers: Orphanet 3286, MedGen C5574922, MONDO:0017990.

Allele frequency attached by ClinVar (database versions not stated): gnomAD 0.00001; ExAC 0.00002.
gnomAD v4.1: 15 of 1,613,668 alleles (0.00093%); 1 homozygote.

Submissions (2):

Blueprint Genetics
Classification: Likely benign. Last evaluated: 2023-04-05. Review status: criteria provided, single submitter. Criteria: ACMG Guidelines, 2015. Collection method: clinical testing. Allele origin: germline.

All of Us Research Program, National Institutes of Health
Classification: Uncertain significance for Catecholaminergic polymorphic ventricular tachycardia. Last evaluated: 2023-04-03. Review status: criteria provided, single submitter. Criteria: ACMG Guidelines, 2015. Collection method: clinical testing. Allele origin: germline. Inheritance: Autosomal dominant inheritance. Observed: 1 variant allele, 1 heterozygote.
Comment: This missense variant replaces glycine with arginine at codon 1329 of the RYR2 protein. Computational prediction suggests that this variant may not impact protein structure and function (internally defined REVEL score threshold <= 0.5, PMID: 27666373). To our knowledge, functional studies have not been reported for this variant. This variant has not been reported in individuals affected with RYR2-related disorders in the literature. This variant has been identified in 9/248948 chromosomes in the general population by the Genome Aggregation Database (gnomAD). The available evidence is insufficient to determine the role of this variant in disease conclusively. Therefore, this variant is classified as a Variant of Uncertain Significance.

This study involves interpretation of variants in research participants for the purpose of population health screening. Participant phenotype was not available at the time of variant classification. Additional details can be found in publication PMID: 35346344, PMCID: PMC8962531

NM_001035.3(RYR2):c.3985G>A (p.Gly1329Arg)

Genes: RYR2 (ryanodine receptor 2; plus strand), LOC126806067 (BRD4-independent group 4 enhancer GRCh37_chr1:237753258-237754457; plus strand). Cytogenetic location: 1q43.
Variant type: single nucleotide variant.
Coding change: c.3985G>A on transcript NM_001035.3 (MANE Select); coding-DNA position 3985, G replaced by A.
Protein change: p.Gly1329Arg; replaces glycine 1329 with arginine.
Molecular consequence: missense variant.
Genome position (GRCh38, 1-based): chr1:237,590,817, G>A. VCF-style: chr1-237590817-G-A. GRCh37 (hg19) VCF-style: chr1-237754117-G-A.
Other names: short protein forms G1329R.
Identifiers: ClinVar variation 3070277 (VCV003070277.2), dbSNP rs771864665, ClinGen allele CA086513.